The following is an entry in ClinVar:

ClinVar aggregate classification (germline): Pathogenic (1 of 4 stars; one submission).

Submission:

Labcorp Genetics (formerly Invitae), Labcorp
Classification: Pathogenic. Last evaluated: 2023-10-23. Review status: criteria provided, single submitter. Criteria: Invitae Variant Classification Sherloc (09022015). Collection method: clinical testing. Allele origin: germline.
Comment: This sequence change creates a premature translational stop signal (p.Asn44Valfs*43) in the DUOX2 gene. It is expected to result in an absent or disrupted protein product. Loss-of-function variants in DUOX2 are known to be pathogenic (PMID: 12110737, 18765513, 21565790, 24423310, 24735383). This variant is not present in population databases (gnomAD no frequency). This variant has not been reported in the literature in individuals affected with DUOX2-related conditions. For these reasons, this variant has been classified as Pathogenic.

Literature cited by the submitters: PubMed 12110737; PubMed 18765513; PubMed 21565790; PubMed 24423310; PubMed 24735383.

NM_001363711.2(DUOX2):c.130_148del (p.Asn44fs)

Gene: DUOX2 (dual oxidase 2; minus strand). Cytogenetic location: 15q21.1.
Variant type: Deletion.
Coding change: c.130_148del on transcript NM_001363711.2 (MANE Select); coding-DNA positions 130 to 148, 19 bases deleted (AACCTGAGGCACCACGAGC).
Protein change: p.Asn44fs; shifts the reading frame from asparagine 44.
Molecular consequence: frameshift variant.
Genome position (GRCh38, 1-based): chr15:45,112,999-45,113,017, GCTCGTGGTGCCTCAGGTT deleted on the plus strand (AACCTGAGGCACCACGAGC on the coding strand, the reverse complement: DUOX2 is on the minus strand); deleting any 19 consecutive bases within chr15:45,112,999-45,113,018 gives the same sequence; the c. name uses the placement nearest the transcript's 3' end. VCF-style (leftmost placement, unchanged base first): chr15-45112998-CGCTCGTGGTGCCTCAGGTT-C. GRCh37 (hg19) VCF-style: chr15-45405196-CGCTCGTGGTGCCTCAGGTT-C.
Other names: c.130_148del, p.Asn44fs (NM_014080.5); short protein forms N44fs.
Identifiers: ClinVar variation 2771260 (VCV002771260.3), dbSNP rs2504790843, ClinGen allele CA2697548964.